The following is an entry in ClinVar:

ClinVar aggregate classification (germline): Likely pathogenic (1 of 4 stars; one submission).

Conditions:
von Willebrand disease type 3 (VWD3). Also called: Type 3 Von Willebrand's disease; Type 3 VWD; Von Willebrand disease, severe form; V WD3; VON WILLEBRAND DISEASE, TYPE III. Identifiers: Orphanet 166096, MedGen C1264041, MONDO:0010191, OMIM 277480.
von Willebrand disease type 2 (VWD2). Also called: VON WILLEBRAND DISEASE, TYPE II; VWD, TYPE 2; VON WILLEBRAND DISEASE, TYPE 2A/IIE; VON WILLEBRAND DISEASE, TYPE 2CB. Identifiers: Orphanet 166081, Orphanet 903, MedGen C1264040, MONDO:0013304, OMIM 613554.

Submission:

First Genomix Gene Laboratory, Genetic Diagnostics Department
Classification: Likely pathogenic for von Willebrand disease type 3; von Willebrand disease type 2. Last evaluated: 2025-05-29. Review status: criteria provided, single submitter. Criteria: ACMG Guidelines, 2015. Collection method: clinical testing. Allele origin: germline. Inheritance: Autosomal recessive inheritance. Affected: no. Observed: 1 variant allele.

NM_000552.5(VWF):c.3853T>G (p.Ser1285Ala)

Gene: VWF (von Willebrand factor; minus strand). Cytogenetic location: 12p13.31.
Variant type: single nucleotide variant.
Coding change: c.3853T>G on transcript NM_000552.5 (MANE Select); coding-DNA position 3853, T replaced by G.
Protein change: p.Ser1285Ala; replaces serine 1285 with alanine.
Molecular consequence: missense variant.
Genome position (GRCh38, 1-based): chr12:6,019,565, A>C on the plus strand (T>G on the coding strand, the complement: VWF is on the minus strand). VCF-style: chr12-6019565-A-C. GRCh37 (hg19) VCF-style: chr12-6128731-A-C.
Other names: short protein forms S1285A.
Identifiers: ClinVar variation 4849420 (VCV004849420.1).